The following is an entry in ClinVar:

NM_000079.4(CHRNA1):c.345-63_403del

Gene: CHRNA1 (cholinergic receptor nicotinic alpha 1 subunit; minus strand). Cytogenetic location: 2q31.1.
Variant type: Deletion.
Coding change: c.345-63_403del on transcript NM_000079.4 (MANE Select); 63 bases into the intron before coding-DNA position 345 through coding-DNA position 403, 122 bases deleted.
Molecular consequence: splice acceptor variant.
Genome position (GRCh38, 1-based): chr2:174,754,356-174,754,477, 122 bases deleted. GRCh37 (hg19): chr2:175,619,086-175,619,207.
Other names: c.420-63_478del (NM_001039523.3).
Identifiers: ClinVar variation 2125739 (VCV002125739.4), dbSNP rs2468895247, ClinGen allele CA1974554.

ClinVar aggregate classification (germline): Pathogenic (1 of 4 stars; one submission).

Conditions:
Lethal multiple pterygium syndrome (LMPS). Identifiers: Orphanet 33108, MedGen C1854678, MONDO:0009668, OMIM 253290.

Submission:

Labcorp Genetics (formerly Invitae), Labcorp
Classification: Pathogenic for Lethal multiple pterygium syndrome. Last evaluated: 2024-10-03. Review status: criteria provided, single submitter. Criteria: Invitae Variant Classification Sherloc (09022015). Collection method: clinical testing. Allele origin: germline.
Comment: This variant results in the deletion of part of exon 5 (c.345-63_403del) of the CHRNA1 gene. It is expected to disrupt RNA splicing. Variants that disrupt the donor or acceptor splice site typically lead to a loss of protein function (PMID: 16199547), and loss-of-function variants in CHRNA1 are known to be pathogenic (PMID: 14719537, 15907919, 18252226). The frequency data for this variant in the population databases is considered unreliable, as metrics indicate poor data quality at this position in the gnomAD database. This variant has been observed in individual(s) with clinical features of autosomal recessive congenital myasthenic syndrome (internal data). In at least one individual the data is consistent with being in trans (on the opposite chromosome) from a pathogenic variant. Algorithms developed to predict the effect of sequence changes on RNA splicing suggest that this variant may disrupt the consensus splice site. For these reasons, this variant has been classified as Pathogenic.

Literature cited by the submitters: PubMed 16199547; PubMed 14719537; PubMed 15907919; PubMed 18252226.